The following is an entry in ClinVar:

ClinVar aggregate classification (germline): Uncertain significance (1 of 4 stars; one submission).

gnomAD v4.1: 3 of 1,614,162 alleles (0.00019%); highest among the groups gnomAD compares: Admixed American, 0.0017%; no homozygotes.

Submission:

Labcorp Genetics (formerly Invitae), Labcorp
Classification: Uncertain significance. Last evaluated: 2021-06-24. Review status: criteria provided, single submitter. Criteria: Invitae Variant Classification Sherloc (09022015). Collection method: clinical testing. Allele origin: germline.
Comment: In summary, the available evidence is currently insufficient to determine the role of this variant in disease. Therefore, it has been classified as a Variant of Uncertain Significance. Algorithms developed to predict the effect of missense changes on protein structure and function (SIFT, PolyPhen-2, Align-GVGD) all suggest that this variant is likely to be disruptive, but these predictions have not been confirmed by published functional studies and their clinical significance is uncertain. This variant has not been reported in the literature in individuals with NLRP1-related conditions. This variant is not present in population databases (ExAC no frequency). This sequence change replaces alanine with valine at codon 631 of the NLRP1 protein (p.Ala631Val). The alanine residue is highly conserved and there is a small physicochemical difference between alanine and valine.

NM_033004.4(NLRP1):c.1892C>T (p.Ala631Val)

Gene: NLRP1 (NLR family pyrin domain containing 1; minus strand). Cytogenetic location: 17p13.2.
Variant type: single nucleotide variant.
Coding change: c.1892C>T on transcript NM_033004.4 (MANE Select); coding-DNA position 1892, C replaced by T.
Protein change: p.Ala631Val; replaces alanine 631 with valine.
Molecular consequence: missense variant.
Genome position (GRCh38, 1-based): chr17:5,558,804, G>A on the plus strand (C>T on the coding strand, the complement: NLRP1 is on the minus strand). VCF-style: chr17-5558804-G-A. GRCh37 (hg19) VCF-style: chr17-5462124-G-A.
Other names: c.1892C>T, p.Ala631Val (NM_001033053.3, NM_014922.5, NM_033006.4 and 1 more transcripts); short protein forms A631V.
Identifiers: ClinVar variation 1371035 (VCV001371035.8), dbSNP rs2151802108, ClinGen allele CA397384263.